The following is an entry in ClinVar:

NM_001184.4(ATR):c.1527T>A (p.His509Gln)

Gene: ATR (ATR checkpoint kinase; minus strand). Cytogenetic location: 3q23.
Variant type: single nucleotide variant.
Coding change: c.1527T>A on transcript NM_001184.4 (MANE Select); coding-DNA position 1527, T replaced by A.
Protein change: p.His509Gln; replaces histidine 509 with glutamine.
Molecular consequence: missense variant. On other transcripts: intron variant (1).
Genome position (GRCh38, 1-based): chr3:142,560,277, A>T on the plus strand (T>A on the coding strand, the complement: ATR is on the minus strand). VCF-style: chr3-142560277-A-T. GRCh37 (hg19) VCF-style: chr3-142279119-A-T.
Other names: c.1350-836T>A (NM_001354579.2); short protein forms H509Q.
Identifiers: ClinVar variation 1774550 (VCV001774550.5), dbSNP rs751401257, ClinGen allele CA2650580.
Genomic context (GRCh38, chr3:142,560,277, plus strand): 5'-TTCATTACAGGAAACCCAACCCCAAGAAACAAGAAGTTTGTTTTACCAGTTCATGTTTTG[A>T]TGAGAACAATGAACAGTACACAGAGCAGTCAGTTGTAAGACAACAGCAATTCCTTCTAAC-3'
Protein context (NP_001175.2, residues 499-519): LTALCTVHCS[His509Gln]QNMNCRTFKD

ClinVar aggregate classification (germline): Uncertain significance. Review status: criteria provided, multiple submitters, no conflicts (2 of 4 stars). 3 submissions from 3 submitters: Uncertain significance (3). Last evaluated 2026-08-21.

Conditions:
ATR-related disorder. Also called: ATR-related condition.
Inborn genetic diseases. Identifiers: MedGen C0950123, MeSH D030342.

Allele frequency attached by ClinVar (database versions not stated): ExAC 0.00001; gnomAD 0.00002; TOPMed 0.00004.
gnomAD v4.1: 3 of 1,613,730 alleles (0.00019%); highest among the groups gnomAD compares: African/African-American, 0.004%; no homozygotes.

Submissions (3):

PreventionGenetics, part of Exact Sciences
Classification: Uncertain significance for ATR-related condition. Last evaluated: 2026-08-21. Review status: criteria provided, single submitter. Criteria: ACMG Guidelines, 2015. Collection method: clinical testing. Allele origin: germline.
Comment: The ATR c.1527T>A variant is predicted to result in the amino acid substitution p.His509Gln. To our knowledge, this variant has not been reported in the literature. This variant is reported in 0.0080% of alleles in individuals of African descent in gnomAD. At this time, the clinical significance of this variant is uncertain due to the absence of conclusive functional and genetic evidence.

Labcorp Genetics (formerly Invitae), Labcorp
Classification: Uncertain significance. Last evaluated: 2024-09-01. Review status: criteria provided, single submitter. Criteria: Invitae Variant Classification Sherloc (09022015). Collection method: clinical testing. Allele origin: germline.
Comment: This sequence change replaces histidine, which is basic and polar, with glutamine, which is neutral and polar, at codon 509 of the ATR protein (p.His509Gln). This variant is present in population databases (rs751401257, gnomAD 0.008%). This variant has not been reported in the literature in individuals affected with ATR-related conditions. ClinVar contains an entry for this variant (Variation ID: 1774550). An algorithm developed to predict the effect of missense changes on protein structure and function outputs the following: PolyPhen-2: "Benign". The glutamine amino acid residue is found in multiple mammalian species, which suggests that this missense change does not adversely affect protein function. In summary, the available evidence is currently insufficient to determine the role of this variant in disease. Therefore, it has been classified as a Variant of Uncertain Significance.

Ambry Genetics
Classification: Uncertain significance for Inborn genetic diseases. Last evaluated: 2023-12-17. Review status: criteria provided, single submitter. Criteria: Ambry Variant Classification Scheme 2023. Collection method: clinical testing. Allele origin: germline.
Comment: The p.H509Q variant (also known as c.1527T>A), located in coding exon 6 of the ATR gene, results from a T to A substitution at nucleotide position 1527. The histidine at codon 509 is replaced by glutamine, an amino acid with highly similar properties. This amino acid position is conserved. In addition, this alteration is predicted to be tolerated by in silico analysis. Since supporting evidence is limited at this time, the clinical significance of this alteration remains unclear.